The following is an entry in ClinVar:

ClinVar aggregate classification (germline): Likely pathogenic. Review status: criteria provided, multiple submitters, no conflicts (2 of 4 stars). 2 submissions from 2 submitters: Likely pathogenic (2). Last evaluated 2024-09-10.

Conditions:
Mitochondrial complex I deficiency. Also called: NADH:Q(1) OXIDOREDUCTASE DEFICIENCY. Identifiers: Orphanet 2609, MedGen C1838979, MeSH C537475, MONDO:0100133.
Leigh syndrome (NULS). Also called: Leigh's syndrome; Leigh Syndrome (mtDNA deletion); Leigh Disease; Subacute necrotizing encephalopathy; Necrotizing encephalopathy infantile subacute of Leigh; Leigh's necrotizing encephalopathy. Identifiers: Orphanet 506, MedGen C2931891, MONDO:0009723, OMIM 256000.

Submissions (2):

Women's Health and Genetics/Laboratory Corporation of America, LabCorp
Classification: Likely pathogenic for Leigh syndrome. Last evaluated: 2024-09-10. Review status: criteria provided, single submitter. Criteria: LabCorp Variant Classification Summary - May 2015. Collection method: clinical testing. Allele origin: germline.
Comment: Variant summary: NDUFAF5 c.425A>C (p.Glu142Ala) results in a non-conservative amino acid change located in the Methyltransferase type 11 domain (IPR013216) of the encoded protein sequence. Five of five in-silico tools predict a damaging effect of the variant on protein function. The variant was absent in 251306 control chromosomes. c.425A>C has been reported in the literature in multiple compound heterozugous and homozygous individuals affected with heterogeneous phenotypes of mitochondrial complex 1 assembly gene deficiency such as Leigh syndrome and bilateral striatal necrosis (BSN) (e.g., Bi_2021, Stenton_2022). These data indicate that the variant is likely to be associated with disease. To our knowledge, no experimental evidence demonstrating an impact on protein function has been reported. The following publications have been ascertained in the context of this evaluation (PMID: 34177781, 35094435). No submitters have cited clinical-significance assessments for this variant to ClinVar. Based on the evidence outlined above, the variant was classified as likely pathogenic.

Natera, Inc.
Classification: Likely pathogenic for Mitochondrial complex I deficiency. Last evaluated: 2024-07-02. Review status: criteria provided, single submitter. Criteria: Natera Variant Classification Schema (03/2026). Collection method: clinical testing. Allele origin: germline.
Comment: The c.425A>C variant in NDUFAF5 is a missense variant predicted to cause substitution of glutamic acid to alanine at amino acid 142. This variant is rare in the general population with a frequency below the threshold expected for the associated phenotype(s). This variant has been observed in one or more individuals affected with the associated recessive disease, as either homozygous or compound heterozygous with a second variant (PMID: 34177781). Additionally, this variant has been observed to segregate in affected family members (PMID: 34177781). Computational prediction algorithms indicate this variant is likely to affect gene or protein function. Given the available evidence, this variant is classified as Likely Pathogenic.

Literature cited by the submitters: PubMed 34177781 (cited by Women's Health and Genetics/Laboratory Corporation of America, LabCorp and Natera, Inc.); PubMed 35094435 (cited by Women's Health and Genetics/Laboratory Corporation of America, LabCorp).

NM_024120.5(NDUFAF5):c.425A>C (p.Glu142Ala)

Gene: NDUFAF5 (NADH:ubiquinone oxidoreductase complex assembly factor 5; plus strand). Cytogenetic location: 20p12.1.
Variant type: single nucleotide variant.
Coding change: c.425A>C on transcript NM_024120.5 (MANE Select); coding-DNA position 425, A replaced by C.
Protein change: p.Glu142Ala; replaces glutamic acid 142 with alanine.
Molecular consequence: missense variant. On other transcripts: 5 prime UTR variant (2), non-coding transcript variant (5), intron variant (2).
Genome position (GRCh38, 1-based): chr20:13,794,887, A>C. VCF-style: chr20-13794887-A-C. GRCh37 (hg19) VCF-style: chr20-13775533-A-C.
Other names: c.-137A>C (NM_001352406.2, NM_001352407.2); c.425A>C, p.Glu142Ala (NM_001352408.2); c.395+1660A>C (NM_001039375.3); c.8+1660A>C (NM_001352403.2); c.425A>C (NM_024120.4); short protein forms E142A.
Identifiers: ClinVar variation 3374914 (VCV003374914.2).